The following is an entry in ClinVar:

ClinVar aggregate classification (germline): Uncertain significance (1 of 4 stars; one submission).

Submission:

Labcorp Genetics (formerly Invitae), Labcorp
Classification: Uncertain significance. Last evaluated: 2022-09-13. Review status: criteria provided, single submitter. Criteria: Invitae Variant Classification Sherloc (09022015). Collection method: clinical testing. Allele origin: germline.
Comment: This sequence change results in a frameshift in the PDE6G gene (p.Gly19Aspfs*75). While this is not anticipated to result in nonsense mediated decay, it is expected to disrupt the last 69 amino acid(s) of the PDE6G protein and extend the protein by 5 additional amino acid residues. This variant is not present in population databases (gnomAD no frequency). This variant has not been reported in the literature in individuals affected with PDE6G-related conditions. Experimental studies and prediction algorithms are not available or were not evaluated, and the functional significance of this variant is currently unknown. In summary, the available evidence is currently insufficient to determine the role of this variant in disease. Therefore, it has been classified as a Variant of Uncertain Significance.

NM_002602.4(PDE6G):c.56del (p.Gly19fs)

Gene: PDE6G (phosphodiesterase 6G; minus strand). Cytogenetic location: 17q25.3.
Variant type: Deletion.
Coding change: c.56del on transcript NM_002602.4 (MANE Select); coding-DNA position 56, one base deleted (G; older notation c.56delG).
Protein change: p.Gly19fs; shifts the reading frame from glycine 19.
Molecular consequence: frameshift variant.
Genome position (GRCh38, 1-based): chr17:81,653,250, C deleted on the plus strand (G on the coding strand, the reverse complement: PDE6G is on the minus strand); the first of 5 consecutive C bases (chr17:81,653,250-81,653,254); deleting any one gives the same sequence. VCF-style (leftmost placement, unchanged base first): chr17-81653249-TC-T. GRCh37 (hg19) VCF-style: chr17-79620279-TC-T.
Other names: c.56del, p.Gly19fs (NM_001365724.1, NM_001365725.1); short protein forms G19fs.
Identifiers: ClinVar variation 2145538 (VCV002145538.1), dbSNP rs1555693190, ClinGen allele CA2576424544.